The following is an entry in ClinVar:

NM_032578.4(MYPN):c.2540G>T (p.Gly847Val)

Gene: MYPN (myopalladin; plus strand). Cytogenetic location: 10q21.3.
Variant type: single nucleotide variant.
Coding change: c.2540G>T on transcript NM_032578.4 (MANE Select); coding-DNA position 2540, G replaced by T.
Protein change: p.Gly847Val; replaces glycine 847 with valine.
Molecular consequence: missense variant. On other transcripts: non-coding transcript variant (2).
Genome position (GRCh38, 1-based): chr10:68,174,632, G>T. VCF-style: chr10-68174632-G-T. GRCh37 (hg19) VCF-style: chr10-69934389-G-T.
Other names: c.2540G>T, p.Gly847Val (NM_001256267.2); c.1658G>T, p.Gly553Val (NM_001256268.2); short protein forms G847V, G553V.
Identifiers: ClinVar variation 659807 (VCV000659807.23), dbSNP rs181848049, ClinGen allele CA5522800.

ClinVar aggregate classification (germline): Conflicting classifications of pathogenicity. Review status: criteria provided, conflicting classifications (1 of 4 stars). 7 submissions from 7 submitters: Uncertain significance (5); Likely benign (2). Last evaluated 2025-04-30.

Conditions:
Primary dilated cardiomyopathy (DCM). Also called: Dilated Cardiomyopathy. Identifiers: Orphanet 217604, MedGen C0007193, MeSH D002311, MONDO:0005021, HP:0001644. Inheritance: Various modes of inheritance.
MYPN-related disorder. Also called: MYPN-related condition.
Dilated cardiomyopathy 1KK (CMD1KK). Identifiers: Orphanet 154, Orphanet 75249, MedGen C3714995, MONDO:0014100, OMIM 615248.
MYPN-related myopathy (CMYO24). Also called: Nemaline myopathy 11, autosomal recessive. Identifiers: MedGen C4479186, MONDO:0015023, OMIM 617336.
Primary familial dilated cardiomyopathy (FDC). Also called: Hypokinetic dilated cardiomyopathy, familial; Familial dilated cardiomyopathy. Identifiers: Orphanet 217607, MedGen C0340427, MONDO:0016333.
Cardiovascular phenotype. Identifiers: MedGen CN230736.

Allele frequency attached by ClinVar (database versions not stated): gnomAD 0.00006 and 0.00008; TOPMed 0.00006; ExAC 0.00012; 1000 Genomes Project 0.00060; 1000 Genomes Project 30x 0.00062.
gnomAD v4.1: 110 of 1,614,100 alleles (0.0068%); highest among the groups gnomAD compares: East Asian, 0.23%; 1 homozygote.

Submissions (7):

PreventionGenetics, part of Exact Sciences
Classification: Likely benign for MYPN-related condition. Last evaluated: 2025-04-30. Review status: criteria provided, single submitter. Criteria: ACMG Guidelines, 2015. Collection method: clinical testing. Allele origin: germline.
Comment: This variant is classified as likely benign based on ACMG/AMP sequence variant interpretation guidelines (Richards et al. 2015 PMID: 25741868, with internal and published modifications).

Labcorp Genetics (formerly Invitae), Labcorp
Classification: Uncertain significance for Dilated cardiomyopathy 1KK. Last evaluated: 2024-01-02. Review status: criteria provided, single submitter. Criteria: Invitae Variant Classification Sherloc (09022015). Collection method: clinical testing. Allele origin: germline.
Comment: This sequence change replaces glycine, which is neutral and non-polar, with valine, which is neutral and non-polar, at codon 847 of the MYPN protein (p.Gly847Val). This variant is present in population databases (rs181848049, gnomAD 0.2%). This variant has not been reported in the literature in individuals affected with MYPN-related conditions. ClinVar contains an entry for this variant (Variation ID: 659807). An algorithm developed to predict the effect of missense changes on protein structure and function (PolyPhen-2) suggests that this variant is likely to be disruptive. In summary, the available evidence is currently insufficient to determine the role of this variant in disease. Therefore, it has been classified as a Variant of Uncertain Significance.

Clinical Center for Gene Diagnosis and Therapy, Department of Cardiovascular Surgery, The Second Xiangya Hospital of Central South University
Classification: Uncertain significance for Primary dilated cardiomyopathy. Last evaluated: 2023-06-01. Review status: criteria provided, single submitter. Criteria: ACMG Guidelines, 2015. Collection method: clinical testing. Allele origin: germline. Affected: yes.

Fulgent Genetics
Classification: Uncertain significance for Dilated cardiomyopathy 1KK; MYPN-related myopathy. Last evaluated: 2021-09-07. Review status: criteria provided, single submitter. Criteria: ACMG Guidelines, 2015. Collection method: clinical testing. Allele origin: unknown.

GeneDx
Classification: Uncertain significance. Last evaluated: 2019-12-18. Review status: criteria provided, single submitter. Criteria: GeneDx Variant Classification Process June 2021. Collection method: clinical testing. Allele origin: germline. Affected: yes.
Comment: Has not been previously published as pathogenic or benign to our knowledge; In silico analysis, which includes protein predictors and evolutionary conservation, supports a deleterious effect; Reported in ClinVar but additional evidence is not available (ClinVar Variant ID# 659807; Landrum et al., 2016)

Ambry Genetics
Classification: Likely benign for Cardiovascular phenotype. Last evaluated: 2019-09-05. Review status: criteria provided, single submitter. Criteria: Ambry Variant Classification Scheme 2023. Collection method: clinical testing. Allele origin: germline.

Molecular Diagnostic Laboratory for Inherited Cardiovascular Disease, Montreal Heart Institute
Classification: Uncertain significance for Familial dilated cardiomyopathy. Review status: criteria provided, single submitter. Criteria: ACMG Guidelines, 2015. Collection method: clinical testing. Allele origin: germline. Affected: yes.